The following is an entry in ClinVar:

ClinVar aggregate classification (germline): Pathogenic. Review status: criteria provided, single submitter (1 of 4 stars). 2 submissions from 2 submitters: Pathogenic (1). 1 of the submissions does not count toward it. Last evaluated 2025-01-27.

Conditions:
Developmental and epileptic encephalopathy, 31A. Also called: Epileptic encephalopathy, early infantile, 31; Developmental and epileptic encephalopathy, 31. Identifiers: Orphanet 2382, MedGen C4225357, MONDO:0014598, OMIM 616346.

Submissions (2):

Labcorp Genetics (formerly Invitae), Labcorp
Classification: Pathogenic for Developmental and epileptic encephalopathy, 31A. Last evaluated: 2025-01-27. Review status: criteria provided, single submitter. Criteria: Invitae Variant Classification Sherloc (09022015). Collection method: clinical testing. Allele origin: germline.
Comment: This sequence change replaces glycine, which is neutral and non-polar, with aspartic acid, which is acidic and polar, at codon 43 of the DNM1 protein (p.Gly43Asp). This variant is not present in population databases (gnomAD no frequency). This missense change has been observed in individual(s) with clinical features of autosomal dominant developmental and epileptic encephalopathy (internal data). In at least one individual the variant was observed to be de novo. ClinVar contains an entry for this variant (Variation ID: 968753). Invitae Evidence Modeling of protein sequence and biophysical properties (such as structural, functional, and spatial information, amino acid conservation, physicochemical variation, residue mobility, and thermodynamic stability) indicates that this missense variant is expected to disrupt DNM1 protein function with a positive predictive value of 80%. This variant disrupts the p.Gly43 amino acid residue in DNM1. Other variant(s) that disrupt this residue have been observed in individuals with DNM1-related conditions (PMID: 26611353, 28667181), which suggests that this may be a clinically significant amino acid residue. For these reasons, this variant has been classified as Pathogenic.

Genomics England Pilot Project, Genomics England
Classification: Likely pathogenic for Developmental and epileptic encephalopathy, 31A. Review status: no assertion criteria provided. Criteria: ACGS Guidelines, 2016. Collection method: clinical testing. Allele origin: germline. Affected: yes. Not counted in ClinVar's aggregate classification.

Literature cited by the submitters: PubMed 26611353 (cited by Labcorp Genetics (formerly Invitae), Labcorp); PubMed 28667181 (cited by Labcorp Genetics (formerly Invitae), Labcorp).

NM_004408.4(DNM1):c.128G>A (p.Gly43Asp)

Genes: CIZ1 (CDKN1A interacting zinc finger protein 1; minus strand), DNM1 (dynamin 1; plus strand). Cytogenetic location: 9q34.11.
Variant type: single nucleotide variant.
Coding change: c.128G>A on transcript NM_004408.4 (MANE Select); coding-DNA position 128, G replaced by A.
Protein change: p.Gly43Asp; replaces glycine 43 with aspartic acid.
Molecular consequence: missense variant. On other transcripts: intron variant (2).
Genome position (GRCh38, 1-based): chr9:128,203,598, G>A. VCF-style: chr9-128203598-G-A. GRCh37 (hg19) VCF-style: chr9-130965877-G-A.
Other names: c.128G>A, p.Gly43Asp (NM_001005336.3, NM_001288737.2, NM_001288738.2 and 2 more transcripts); c.-6+588C>T (NM_001131015.2, NM_012127.3); short protein forms G43D.
Identifiers: ClinVar variation 968753 (VCV000968753.12), dbSNP rs1833622746, ClinGen allele CA375006755.